The following is an entry in ClinVar:

ClinVar aggregate classification (germline): Pathogenic/Likely pathogenic. Review status: criteria provided, multiple submitters, no conflicts (2 of 4 stars). 13 submissions from 13 submitters: Pathogenic (10); Likely pathogenic (2). 1 of the submissions does not count toward it. Last evaluated 2026-08-18.

Conditions:
MFSD8-related disorder. Also called: MFSD8-related condition.
MFSD8-related disorders.
Macular dystrophy with central cone involvement (CCMD). Identifiers: MedGen C4015371, MONDO:0014515, OMIM 616170.
Neuronal ceroid lipofuscinosis 7 (CLN7). Also called: MFSD8-Related Neuronal Ceroid-Lipofuscinosis. Identifiers: Orphanet 168491, Orphanet 228366, MedGen C1838571, MONDO:0012588, OMIM 610951.
Inborn genetic diseases. Identifiers: MedGen C0950123, MeSH D030342.
Late-infantile neuronal ceroid lipofuscinosis. Also called: Jansky-Bielschowsky disease. Identifiers: MedGen C0022340, MONDO:0015674.

Allele frequency attached by ClinVar (database versions not stated): ExAC 0.00001; gnomAD exomes 0.00002; gnomAD 0.00003; TOPMed 0.00003.

Submissions (13):

PreventionGenetics, part of Exact Sciences
Classification: Pathogenic for MFSD8-related condition. Last evaluated: 2026-08-18. Review status: criteria provided, single submitter. Criteria: ACMG Guidelines, 2015. Collection method: clinical testing. Allele origin: germline.
Comment: The MFSD8 c.1444C>T variant is predicted to result in premature protein termination (p.Arg482*). This variant has been reported in the compound heterozygous state in multiple unrelated individuals with late infantile neuronal ceroid lipofuscinosis (CLN7, aka Batten disease) (for example, see Aiello et al. 2009. PubMed ID: 19177532; Ren et al. 2019. PubMed ID: 31105743; Rowe et al. 2022. PubMed ID: 36374771). This variant is located in the final coding exon of the MFSD8 gene and is not expected to trigger nonsense-mediated decay, instead generating a truncated protein lacking 37 C-terminal amino acids. This variant is reported in 0.0080% of alleles in individuals of African descent in gnomAD. Taken together, this variant is interpreted as pathogenic.

Women's Health and Genetics/Laboratory Corporation of America, LabCorp
Classification: Pathogenic for Neuronal ceroid lipofuscinosis 7. Last evaluated: 2026-04-27. Review status: criteria provided, single submitter. Criteria: LabCorp Variant Classification Summary - May 2015. Collection method: clinical testing. Allele origin: germline.
Comment: Variant summary: MFSD8 c.1444C>T (p.Arg482X) results in a premature termination codon, predicted to cause a truncation of the encoded protein or absence of the protein due to nonsense mediated decay, which are commonly known mechanisms for disease. Loss-of-function variants in this gene are known to be pathogenic. The variant allele was found at a frequency of 2e-05 in 251364 control chromosomes. c.1444C>T has been observed in individuals affected with Neuronal ceroid lipofuscinosis 7 (Aiello_2009, Cherot_2017, Ren_2019, internal data). These data indicate that the variant is very likely to be associated with disease. To our knowledge, no experimental evidence demonstrating an impact on protein function has been reported. The following publications have been ascertained in the context of this evaluation (PMID: 19177532, 28708303, 31105743). ClinVar contains an entry for this variant (Variation ID: 162382). Based on the evidence outlined above, the variant was classified as pathogenic.

Labcorp Genetics (formerly Invitae), Labcorp
Classification: Pathogenic for Neuronal ceroid lipofuscinosis 7. Last evaluated: 2025-11-12. Review status: criteria provided, single submitter. Criteria: Invitae Variant Classification Sherloc (09022015). Collection method: clinical testing. Allele origin: germline.
Comment: This sequence change creates a premature translational stop signal (p.Arg482*) in the MFSD8 gene. While this is not anticipated to result in nonsense mediated decay, it is expected to disrupt the last 37 amino acid(s) of the MFSD8 protein. This variant is present in population databases (rs724159971, gnomAD 0.008%). This premature translational stop signal has been observed in individual(s) with variant-late infantile neuronal ceroid lipofuscinosis (VL-NCL) and neuronal ceroid lipofuscinosis (PMID: 19177532, 25976102, 28708303; internal data). In at least one individual the data is consistent with being in trans (on the opposite chromosome) from a pathogenic variant. It has also been observed to segregate with disease in related individuals. ClinVar contains an entry for this variant (Variation ID: 162382). Experimental studies and prediction algorithms are not available or were not evaluated, and the functional significance of this variant is currently unknown. Algorithms developed to predict the effect of sequence changes on RNA splicing suggest that this variant may disrupt the consensus splice site. For these reasons, this variant has been classified as Pathogenic.

Natera, Inc.
Classification: Pathogenic for Late-infantile neuronal ceroid lipofuscinosis. Last evaluated: 2025-09-02. Review status: criteria provided, single submitter. Criteria: Natera Variant Classification Schema (03/2026). Collection method: clinical testing. Allele origin: germline.
Comment: The c.1444C>T variant in MFSD8 is a nonsense variant predicted to introduce a stop codon at amino acid 482. This variant may result in a truncated or dysfunctional protein product. This variant is rare in the general population with a frequency below the threshold expected for the associated phenotype(s). This variant has been observed in one or more individuals affected with the associated recessive disease, as either homozygous or compound heterozygous with a second variant (PMID: 19177532, 28708303, 32005694, 36374771, 36972931, 38468460). Given the available evidence, this variant is classified as Pathogenic.

Victorian Clinical Genetics Services, Murdoch Childrens Research Institute
Classification: Pathogenic for Neuronal ceroid lipofuscinosis 7. Last evaluated: 2025-06-16. Review status: criteria provided, single submitter. Criteria: ACMG Guidelines, 2015. Collection method: clinical testing. Allele origin: germline. Affected: yes.
Comment: This variant is classified as Pathogenic. Evidence in support of pathogenic classification: Variant is predicted to result in a truncated protein (premature termination codon is NOT located at least 54 nucleotides upstream of the final exon-exon junction) with less than 1/3 of the protein sequence affected; Variant is present in gnomAD <0.01 for a recessive condition (v4: 32 heterozygote(s), 0 homozygote(s)); This variant has strong previous evidence of pathogenicity in unrelated individuals. This variant has been classified as pathogenic/likely pathogenic by clinical laboratories in ClinVar, and reported in the literature in compound heterozygous individuals with neuronal ceroid lipofuscinosis (PMIDs: 31105743, 38468460) and in a compound heterozygous individual with macular dystrophy and ataxia (PMID: 39108195). Additional information: This variant is heterozygous; This gene is associated with autosomal recessive disease; Loss of function is a known mechanism of disease in this gene and is associated with neuronal ceroid lipofuscinosis, 7 (MIM#610951) and macular dystrophy with central cone involvement (MIM#616170); Inheritance information for this variant is not currently available in this individual.

Blueprint Genetics
Classification: Pathogenic for MFSD8-related disorders. Last evaluated: 2024-06-15. Review status: criteria provided, single submitter. Criteria: ACMG Guidelines, 2015. Collection method: clinical testing. Allele origin: germline. Affected: yes. Observed: 5 variant alleles.

GeneDx
Classification: Pathogenic. Last evaluated: 2021-12-18. Review status: criteria provided, single submitter. Criteria: GeneDx Variant Classification Process June 2021. Collection method: clinical testing. Allele origin: germline. Affected: yes.
Comment: Reported in association with variant late-infantile neuronal ceroid lipofucinosis (Aiello et al., 2009; Kousi et al., 2012).; Nonsense variant in the C-terminus predicted to result in protein truncation, as the last 37 amino acids are lost, and other loss-of-function variants have been reported downstream in the Human Gene Mutation Database (Stenson et al., 2014); Not observed at a significant frequency in large population cohorts (Lek et al., 2016); This variant is associated with the following publications: (PMID: 22668694, 21990111, 19177532, 28708303, 31105743, 33726816)

Centre for Inherited Metabolic Diseases, Karolinska University Hospital
Classification: Pathogenic for Neuronal ceroid lipofuscinosis 7. Last evaluated: 2021-04-07. Review status: criteria provided, single submitter. Criteria: ACMG Guidelines, 2015. Collection method: clinical testing. Allele origin: germline. Inheritance: Autosomal recessive inheritance. Affected: yes. Observed: 1 compound heterozygote.

Ambry Genetics
Classification: Likely pathogenic for Inborn genetic diseases. Last evaluated: 2018-11-29. Review status: criteria provided, single submitter. Criteria: Ambry Variant Classification Scheme 2023. Collection method: clinical testing. Allele origin: germline.
Comment: The p.R482* variant (also known as c.1444C>T), located in coding exon 12 of the MFSD8 gene, results from a C to T substitution at nucleotide position 1444. This changes the amino acid from an arginine to a stop codon within coding exon 12. Premature stop codons are typically deleterious in nature, however, this stop codon occurs at the 3' terminus of MFSD8, is not expected to trigger nonsense-mediated mRNA decay, and impacts only the last 37 amino acids of the protein. The exact functional impact of these removed amino acids is unknown at this time. This alteration has been reported in children with variant-late infantile form of NCL (v-LINCL); in one case, a second pathogenic variant was detected however parental testing was not performed to confirm phase (Aiello C et al. Hum. Mutat., 2009 Mar;30:E530-40); in another, the p.R482* variant was confirmed in trans with a second disease causing allele (Ch&eacute;rot E et al. Clin. Genet., 2018 Mar;93:567-576). Based on the majority of available evidence to date, this variant is likely to be pathogenic.

Fulgent Genetics
Classification: Likely pathogenic for Neuronal ceroid lipofuscinosis 7; Macular dystrophy with central cone involvement. Last evaluated: 2018-10-31. Review status: criteria provided, single submitter. Criteria: ACMG Guidelines, 2015. Collection method: clinical testing. Allele origin: unknown.

Groupe Hospitalier Pitie Salpetriere, Uf Genomique Du Developpement, Assistance Publique Hopitaux de Paris Sorbonne Université
Classification: Pathogenic for Ceroid lipofuscinosis, neuronal, 7. Last evaluated: 2017-01-06. Review status: criteria provided, single submitter. Criteria: ACMG Guidelines, 2015. Collection method: clinical testing. Allele origin: maternal. Affected: yes. Observed: 1 variant allele.
Comment: peripheric neuropathy; global cerebral atrophy; epilepsy (myoclonia).

Juno Genomics, Hangzhou Juno Genomics, Inc
Classification: Pathogenic for Neuronal ceroid lipofuscinosis 7; Macular dystrophy with central cone involvement. Review status: criteria provided, single submitter. Criteria: ACMG Guidelines, 2015. Collection method: clinical testing. Allele origin: germline. Affected: yes.
Comment: Absent from controls (or at extremely low frequency if recessive) in Genome Aggregation Database, Exome Sequencing Project, 1000 Genomes Project, or Exome Aggregation Consortium.;Null variant in a gene where loss of function (LOF) is a known mechanism of disease.;For recessive disorders, detected in trans with a pathogenic variant.;Patient's phenotype or family history is highly specific for a disease with a single genetic etiology.

OMIM
Classification: Pathogenic for CEROID LIPOFUSCINOSIS, NEURONAL, 7. Last evaluated: 2009-03-01. Review status: no assertion criteria provided. Collection method: literature only. Allele origin: germline. Not counted in ClinVar's aggregate classification.

Literature cited by the submitters: PubMed 31105743 (cited by Women's Health and Genetics/Laboratory Corporation of America, LabCorp and Victorian Clinical Genetics Services, Murdoch Childrens Research Institute); PubMed 28708303 (cited by 5 submitters); PubMed 19177532 (cited by 5 submitters); PubMed 25976102 (cited by Labcorp Genetics (formerly Invitae), Labcorp); PubMed 32005694 (cited by Natera, Inc.); PubMed 36374771 (cited by Natera, Inc.); PubMed 36972931 (cited by Natera, Inc.); PubMed 38468460 (cited by Natera, Inc. and Victorian Clinical Genetics Services, Murdoch Childrens Research Institute); PubMed 39108195 (cited by Victorian Clinical Genetics Services, Murdoch Childrens Research Institute).

NM_001371596.2(MFSD8):c.1444C>T (p.Arg482Ter)

Gene: MFSD8 (major facilitator superfamily domain containing 8; minus strand). Cytogenetic location: 4q28.2.
Variant type: single nucleotide variant.
Coding change: c.1444C>T on transcript NM_001371596.2 (MANE Select); coding-DNA position 1444, C replaced by T.
Protein change: p.Arg482Ter; replaces arginine 482 with a stop codon.
Molecular consequence: nonsense.
Genome position (GRCh38, 1-based): chr4:127,920,743, G>A on the plus strand (C>T on the coding strand, the complement: MFSD8 is on the minus strand). VCF-style: chr4-127920743-G-A. GRCh37 (hg19) VCF-style: chr4-128841898-G-A.
Other names: c.1243C>T, p.Arg415Ter (NM_001363520.3); c.1129C>T, p.Arg377Ter (NM_001363521.3); c.1309C>T, p.Arg437Ter (NM_001371590.2); c.1453C>T, p.Arg485Ter (NM_001371591.2); c.1450C>T, p.Arg484Ter (NM_001371592.2); c.1330C>T, p.Arg444Ter (NM_001371593.2); c.1297C>T, p.Arg433Ter (NM_001371594.2); c.1162C>T, p.Arg388Ter (NM_001371595.1); and 3 more; short protein forms R482*, R377*, R415*, R388*, R433*, R437*, R444*, R484*.
Identifiers: ClinVar variation 162382 (VCV000162382.27), dbSNP rs724159971, ClinGen allele CA273061.